The following is an entry in ClinVar:

ClinVar aggregate classification (germline): Uncertain significance. Review status: criteria provided, multiple submitters, no conflicts (2 of 4 stars). 3 submissions from 3 submitters: Uncertain significance (3). Last evaluated 2025-05-05.

Conditions:
Inborn genetic diseases. Identifiers: MedGen C0950123, MeSH D030342.

Allele frequency attached by ClinVar (database versions not stated): gnomAD exomes 0.00001 and 0.00003; ExAC 0.00002; TOPMed 0.00002; gnomAD 0.00003; ESP Exome Variant Server 0.00008.
gnomAD v4.1: 20 of 1,613,862 alleles (0.0012%); highest among the groups gnomAD compares: Admixed American, 0.005%; no homozygotes.

Submissions (3):

Ambry Genetics
Classification: Uncertain significance for Inborn genetic diseases. Last evaluated: 2025-05-05. Review status: criteria provided, single submitter. Criteria: Ambry Variant Classification Scheme 2023. Collection method: clinical testing. Allele origin: germline.

Blueprint Genetics
Classification: Uncertain significance. Last evaluated: 2024-03-18. Review status: criteria provided, single submitter. Criteria: ACMG Guidelines, 2015. Collection method: clinical testing. Allele origin: germline.

Labcorp Genetics (formerly Invitae), Labcorp
Classification: Uncertain significance. Last evaluated: 2022-08-09. Review status: criteria provided, single submitter. Criteria: Invitae Variant Classification Sherloc (09022015). Collection method: clinical testing. Allele origin: germline.
Comment: This sequence change replaces histidine, which is basic and polar, with tyrosine, which is neutral and polar, at codon 1503 of the SZT2 protein (p.His1503Tyr). This variant is present in population databases (rs373911146, gnomAD 0.006%). This variant has not been reported in the literature in individuals affected with SZT2-related conditions. ClinVar contains an entry for this variant (Variation ID: 1378973). Algorithms developed to predict the effect of missense changes on protein structure and function (SIFT, PolyPhen-2, Align-GVGD) all suggest that this variant is likely to be tolerated. In summary, the available evidence is currently insufficient to determine the role of this variant in disease. Therefore, it has been classified as a Variant of Uncertain Significance.

NM_001365999.1(SZT2):c.4678C>T (p.His1560Tyr)

Gene: SZT2 (SZT2 subunit of KICSTOR complex; plus strand). Cytogenetic location: 1p34.2.
Variant type: single nucleotide variant.
Coding change: c.4678C>T on transcript NM_001365999.1 (MANE Select); coding-DNA position 4678, C replaced by T.
Protein change: p.His1560Tyr; replaces histidine 1560 with tyrosine.
Molecular consequence: missense variant.
Genome position (GRCh38, 1-based): chr1:43,430,693, C>T. VCF-style: chr1-43430693-C-T. GRCh37 (hg19) VCF-style: chr1-43896364-C-T.
Other names: c.4507C>T, p.His1503Tyr (NM_015284.4); c.4507C>T (NM_015284.3); short protein forms H1503Y, H1560Y.
Identifiers: ClinVar variation 1378973 (VCV001378973.5), dbSNP rs373911146, ClinGen allele CA809346.
Genomic context (GRCh38, chr1:43,430,693, plus strand): 5'-GATGAAGACTCCTTCAGTATCTTGGGGGGCGACTCACCCACTGGGCCTGAGAGCTTCCTT[C>T]ATGACCTGCCACCGCTCTTCCTGCACCTCACGTGCTCCGTGCGGCTACGTGGGCAGCACA-3'
Protein context (NP_001352928.1, residues 1550-1570): DSPTGPESFL[His1560Tyr]DLPPLFLHLT